The following is an entry in ClinVar:

NM_000321.3(RB1):c.1502_1514del (p.Ser501fs)

Gene: RB1 (RB transcriptional corepressor 1; plus strand). Cytogenetic location: 13q14.2.
Variant type: Deletion.
Coding change: c.1502_1514del on transcript NM_000321.3 (MANE Select); coding-DNA positions 1502 to 1514, 13 bases deleted (GTACATCTCAGAA).
Protein change: p.Ser501fs; shifts the reading frame from serine 501.
Molecular consequence: frameshift variant.
Genome position (GRCh38, 1-based): chr13:48,381,250-48,381,262, GTACATCTCAGAA deleted; deleting any 13 consecutive bases within chr13:48,381,247-48,381,262 gives the same sequence; the c. name uses the placement nearest the transcript's 3' end. VCF-style (leftmost placement, unchanged base first): chr13-48381246-GGAAGTACATCTCA-G. GRCh37 (hg19) VCF-style: chr13-48955382-GGAAGTACATCTCA-G.
Other names: c.1502_1514del13 (NM_000321.2); short protein forms S501fs.
Identifiers: ClinVar variation 428674 (VCV000428674.3), dbSNP rs1131690856, ClinGen allele CA645369594.
Genomic context (GRCh38, chr13:48,381,246, plus strand): 5'-AAAAATACCTAGCTCAAGGGTTAATATTTCATAAATAGTTACTTTTTTTTTTCATTTTTA[GGAAGTACATCTCA>G]GAATCTTGATTCTGGAACAGATTTGTCTTTCCCATGGATTCTGAATGTGCTTAATTTAAA-3'

ClinVar aggregate classification (germline): Pathogenic (1 of 4 stars; one submission).

Conditions:
Hereditary cancer-predisposing syndrome. Also called: Hereditary Cancer Syndrome; Neoplastic Syndromes, Hereditary; Hereditary neoplastic syndrome; Tumor predisposition. Identifiers: Orphanet 140162, MedGen C0027672, MeSH D009386, MONDO:0015356.

Submission:

Ambry Genetics
Classification: Pathogenic for Hereditary cancer-predisposing syndrome. Last evaluated: 2013-03-08. Review status: criteria provided, single submitter. Criteria: Ambry Autosomal Dominant and X-Linked criteria (10/2015). Collection method: clinical testing. Allele origin: germline. Observed: 1 variant allele.
Comment: This alteration is expected to result in loss of function by premature protein truncation or nonsense-mediatedâ€¯mRNAâ€¯decay.â€¯As such, this alteration is interpreted as a disease-causing mutation.